The following is an entry in ClinVar:

ClinVar aggregate classification (germline): Conflicting classifications of pathogenicity. Review status: criteria provided, conflicting classifications (1 of 4 stars). 2 submissions from 2 submitters: Uncertain significance (1); Likely benign (1). Last evaluated 2024-09-27.

Allele frequency attached by ClinVar (database versions not stated): 1000 Genomes Project 0.00060; 1000 Genomes Project 30x 0.00078; ExAC 0.00084; gnomAD 0.00143; ESP Exome Variant Server 0.00161; TOPMed 0.00161; gnomAD exomes 0.00209.
gnomAD v4.1: 3,210 of 1,606,728 alleles (0.2%); highest among the groups gnomAD compares: Non-Finnish European, 0.25%; 7 homozygotes.

Submissions (2):

Ambry Genetics
Classification: Uncertain significance. Last evaluated: 2024-09-27. Review status: criteria provided, single submitter. Criteria: Ambry Variant Classification Scheme 2023. Collection method: clinical testing. Allele origin: germline.

CeGaT Center for Human Genetics Tuebingen
Classification: Likely benign. Last evaluated: 2024-06-01. Review status: criteria provided, single submitter. Criteria: CeGaT Center For Human Genetics Tuebingen Variant Classification Criteria Version 2. Collection method: clinical testing. Allele origin: germline. Affected: yes. Observed: 1 variant allele.
Comment: CRYBG2: BP4

NM_001039775.4(CRYBG2):c.4915C>T (p.Arg1639Trp)

Gene: CRYBG2 (crystallin beta-gamma domain containing 2; minus strand). Cytogenetic location: 1p36.11.
Variant type: single nucleotide variant.
Coding change: c.4915C>T on transcript NM_001039775.4 (MANE Select); coding-DNA position 4915, C replaced by T.
Protein change: p.Arg1639Trp; replaces arginine 1639 with tryptophan.
Molecular consequence: missense variant.
Genome position (GRCh38, 1-based): chr1:26,322,039, G>A on the plus strand (C>T on the coding strand, the complement: CRYBG2 is on the minus strand). VCF-style: chr1-26322039-G-A. GRCh37 (hg19) VCF-style: chr1-26648530-G-A.
Other names: short protein forms R1639W.
Identifiers: ClinVar variation 3077868 (VCV003077868.20), dbSNP rs140821928, ClinGen allele CA703406.